The following is an entry in ClinVar:

ClinVar aggregate classification (germline): Pathogenic (1 of 4 stars; one submission).

Submission:

Quest Diagnostics Nichols Institute San Juan Capistrano
Classification: Pathogenic. Last evaluated: 2023-06-06. Review status: criteria provided, single submitter. Criteria: ACMG/ClinGen CNV Guidelines, 2019. Collection method: clinical testing. Allele origin: unknown.
Comment: The copy number loss of 2q12.2q13 involves several protein-coding genes. This interval overlaps the recurrent 2q13 deletion syndrome region, which has been associated with variable phenotypes (Wolfe 2018, Riley 2015, Hladilkova 2015, Yu 2012, Cooper 2011, Russell 2014, Digilio 2022), and has been shown to be significantly enriched in the clinical population (Coe 2014). Smaller deletions within the more proximal portion of this interval have been reported in individuals with additional features (Dittwald 2013, Huynh 2021, Khan 2018, Liu 2019, Coe 2014). Heterozygous frameshift sequence variants in RANBP2 and SH3RF3 have been identified in individuals with neurological disorders (Ganapathy 2019, Kosmicki 2017, Wang 2016). There are no similar copy number losses spanning this region in the general populations of the Database of Genomic Variants (DGV). Thus, based on gene content and current medical literature, this copy number variant (CNV) is classified as pathogenic. References: _x000D__x000D_ Coe et al., Nat Genet. 2014 Oct;46(10):1063-71. PMID: 25217958 _x000D__x000D_ Cooper et al., Nat Genet. 2011 Aug 14;43(9):838-46. PMID: 21841781 _x000D__x000D_ Digilio et al., Eur J Med Genet. 2022 Jan;65(1):104381. PMID: 34763108 _x000D__x000D_ Dittwald et al., Genome Res. 2013 Sep;23(9):1395-409. PMID: 23657883 _x000D__x000D_ Ganapathy et al., J Neurol. 2019 Aug;266(8):1919-1926. PMID: 31069529 _x000D__x000D_ Hladilkova et al., Mol Cytogenet. 2015 Jul 31;8:57. PMID: 26236398 _x000D__x000D_ Huynh et al., Neurogenetics. 2021 Jul;22(3):195-206. PMID: 34132911 _x000D__x000D_ Khan et al., Schizophr Res. 2018 Jul;197:337-345. PMID: 29486958 _x000D__x000D_ Kosmicki et al., Nat Genet. 2017 Apr;49(4):504-510. PMID: 28191890 _x000D__x000D_ Liu et al., Front Genet. 2019 Sep 10;10:819. PMID: 31552105 _x000D__x000D_ Riley et al., Am J Med Genet A. 2015 Nov;167A(11):2664-73. PMID: 26227573 _x000D__x000D_ Russell et al., Hum Mol Genet. 2014 Aug 15;23(16):4272-84. PMID: 24694933 _x000D__x000D_ Wang et al., Nat Commun. 2016 Nov 8;7:13316. PMID: 27824329 _x000D__x000D_ Wolfe et al., Am J Med Genet B Neuropsychiatr Genet. 2018 Jun;177(4):397-405. PMID: 29603867 _x000D__x000D_ Yu et al., Clin Genet. 2012 Mar;81(3):257-64. PMID: 21255006

GRCh37/hg19 2q12.2-13(chr2:107029681-113127751)x1

Genes: ACOXL (acyl-CoA oxidase like; plus strand), ANAPC1 (anaphase promoting complex subunit 1; minus strand), BCL2L11 (BCL2 like 11; plus strand), BUB1 (BUB1 mitotic checkpoint serine/threonine kinase; minus strand), CCDC138 (coiled-coil domain containing 138; plus strand) and 25 more. Cytogenetic location: 2q12.2-13.
Variant type: copy number loss.
Change: copy number 1 (one copy instead of two) of chr2:107,029,681-113,127,751 (6.10 Mb, GRCh37 coordinates, 1-based), cytogenetic band 2q12.2-13.
Identifiers: ClinVar variation 2684642 (VCV002684642.1).